The following is an entry in ClinVar:

ClinVar aggregate classification (germline): Uncertain significance (1 of 4 stars; one submission).

Allele frequency attached by ClinVar (database versions not stated): gnomAD exomes below 0.00001; gnomAD 0.00001; TOPMed 0.00001; ExAC 0.00002; ESP Exome Variant Server 0.00008.
gnomAD v4.1: 2 of 1,610,682 alleles (0.00012%); highest among the groups gnomAD compares: Non-Finnish European, 0.00017%; no homozygotes.

Submission:

Labcorp Genetics (formerly Invitae), Labcorp
Classification: Uncertain significance. Last evaluated: 2022-12-21. Review status: criteria provided, single submitter. Criteria: Invitae Variant Classification Sherloc (09022015). Collection method: clinical testing. Allele origin: germline.
Comment: This sequence change replaces lysine, which is basic and polar, with glutamic acid, which is acidic and polar, at codon 834 of the CFH protein (p.Lys834Glu). This variant is present in population databases (rs147099450, gnomAD 0.002%). This variant has not been reported in the literature in individuals affected with CFH-related conditions. Algorithms developed to predict the effect of missense changes on protein structure and function are either unavailable or do not agree on the potential impact of this missense change (SIFT: "Tolerated"; PolyPhen-2: "Possibly Damaging"; Align-GVGD: "Class C0"). In summary, the available evidence is currently insufficient to determine the role of this variant in disease. Therefore, it has been classified as a Variant of Uncertain Significance.

NM_000186.4(CFH):c.2500A>G (p.Lys834Glu)

Gene: CFH (complement factor H; plus strand). Cytogenetic location: 1q31.3.
Variant type: single nucleotide variant.
Coding change: c.2500A>G on transcript NM_000186.4 (MANE Select); coding-DNA position 2500, A replaced by G.
Protein change: p.Lys834Glu; replaces lysine 834 with glutamic acid.
Molecular consequence: missense variant.
Genome position (GRCh38, 1-based): chr1:196,736,910, A>G. VCF-style: chr1-196736910-A-G. GRCh37 (hg19) VCF-style: chr1-196706040-A-G.
Other names: short protein forms K834E.
Identifiers: ClinVar variation 2995930 (VCV002995930.3), dbSNP rs147099450, ClinGen allele CA1305677.
Genomic context (GRCh38, chr1:196,736,910, plus strand): 5'-CCACCTCAGATTCCCAATTCTCACAATATGACAACCACACTGAATTATCGGGATGGAGAA[A>G]AAGTATCTGTTCTTTGCCAAGAAAATTATCTAATTCAGGAAGGAGAAGAAATTACATGCA-3'
Protein context (NP_000177.2, residues 824-844): TTTLNYRDGE[Lys834Glu]VSVLCQENYL